The following is an entry in ClinVar:

NM_182914.3(SYNE2):c.2563A>G (p.Lys855Glu)

Gene: SYNE2 (spectrin repeat containing nuclear envelope protein 2; plus strand). Cytogenetic location: 14q23.2.
Variant type: single nucleotide variant.
Coding change: c.2563A>G on transcript NM_182914.3 (MANE Select); coding-DNA position 2563, A replaced by G.
Protein change: p.Lys855Glu; replaces lysine 855 with glutamic acid.
Molecular consequence: missense variant.
Genome position (GRCh38, 1-based): chr14:63,991,032, A>G. VCF-style: chr14-63991032-A-G. GRCh37 (hg19) VCF-style: chr14-64457750-A-G.
Other names: c.2563A>G, p.Lys855Glu (NM_015180.6); short protein forms K855E.
Identifiers: ClinVar variation 2436840 (VCV002436840.7), dbSNP rs377520784, ClinGen allele CA7219733.

ClinVar aggregate classification (germline): Uncertain significance. Review status: criteria provided, multiple submitters, no conflicts (2 of 4 stars). 3 submissions from 3 submitters: Uncertain significance (3). Last evaluated 2025-05-13.

Conditions:
Emery-Dreifuss muscular dystrophy 5, autosomal dominant (EDMD5). Also called: EMERY-DREIFUSS MUSCULAR DYSTROPHY 5. Identifiers: Orphanet 261, MedGen C2751805, MONDO:0013072, OMIM 612999.

Allele frequency attached by ClinVar (database versions not stated): gnomAD 0.00001; TOPMed 0.00001; gnomAD exomes 0.00002; ExAC 0.00003; ESP Exome Variant Server 0.00008.
gnomAD v4.1: 41 of 1,614,056 alleles (0.0025%); highest among the groups gnomAD compares: Non-Finnish European, 0.0024%; no homozygotes.

Submissions (3):

Athena Diagnostics
Classification: Uncertain significance. Last evaluated: 2025-05-13. Review status: criteria provided, single submitter. Criteria: Athena Diagnostics Criteria. Collection method: clinical testing. Allele origin: unknown.
Comment: Available data are insufficient to determine the clinical significance of the variant at this time. The frequency of this variant in the general population is uninformative in assessment of its pathogenicity. Polyphen and MutationTaster predict this amino acid change may be benign.

Labcorp Genetics (formerly Invitae), Labcorp
Classification: Uncertain significance for Emery-Dreifuss muscular dystrophy 5, autosomal dominant. Last evaluated: 2023-07-09. Review status: criteria provided, single submitter. Criteria: Invitae Variant Classification Sherloc (09022015). Collection method: clinical testing. Allele origin: germline.
Comment: This sequence change replaces lysine, which is basic and polar, with glutamic acid, which is acidic and polar, at codon 855 of the SYNE2 protein (p.Lys855Glu). This variant is present in population databases (rs377520784, gnomAD 0.009%). This variant has not been reported in the literature in individuals affected with SYNE2-related conditions. ClinVar contains an entry for this variant (Variation ID: 2436840). An algorithm developed to predict the effect of missense changes on protein structure and function (PolyPhen-2) suggests that this variant is likely to be tolerated. In summary, the available evidence is currently insufficient to determine the role of this variant in disease. Therefore, it has been classified as a Variant of Uncertain Significance.

Revvity Omics, Revvity
Classification: Uncertain significance for Emery-Dreifuss muscular dystrophy 5, autosomal dominant. Last evaluated: 2020-04-02. Review status: criteria provided, single submitter. Criteria: ACMG Guidelines, 2015. Collection method: clinical testing. Allele origin: germline.

Literature cited by the submitters: PubMed 31624253 (cited by Athena Diagnostics).